The following is an entry in ClinVar:

ClinVar aggregate classification (germline): Uncertain significance. Review status: criteria provided, multiple submitters, no conflicts (2 of 4 stars). 3 submissions from 3 submitters: Uncertain significance (2). 1 of the submissions does not count toward it. Last evaluated 2024-12-03.

Conditions:
Duchenne muscular dystrophy (DMD). Also called: MUSCULAR DYSTROPHY, PSEUDOHYPERTROPHIC PROGRESSIVE, DUCHENNE TYPE; Duchenne Muscular Dystrophy (DMD). Identifiers: Orphanet 98896, MedGen C0013264, MONDO:0010679, OMIM 310200.
Dystrophin deficiency.
Becker muscular dystrophy (BMD). Also called: MUSCULAR DYSTROPHY, PSEUDOHYPERTROPHIC PROGRESSIVE, BECKER TYPE; Becker Muscular Dystrophy (BMD). Identifiers: Orphanet 98895, MedGen C0917713, MONDO:0010311, OMIM 300376.
Cardiomyopathy (CMYO). Also called: Cardiomyopathies. Identifiers: Orphanet 167848, MedGen C0878544, MONDO:0004994, HP:0001638. Inheritance: Various modes of inheritance.

Submissions (3):

GeneDx
Classification: Uncertain significance. Last evaluated: 2024-12-03. Review status: criteria provided, single submitter. Criteria: GeneDx Variant Classification Process June 2021. Collection method: clinical testing. Allele origin: germline. Affected: yes.
Comment: In silico analysis supports that this missense variant has a deleterious effect on protein structure/function; Missense variant in a gene in which most reported pathogenic variants are truncating/loss of function; Has not been previously published as pathogenic or benign to our knowledge

Labcorp Genetics (formerly Invitae), Labcorp
Classification: Uncertain significance for Duchenne muscular dystrophy. Last evaluated: 2019-11-15. Review status: criteria provided, single submitter. Criteria: Invitae Variant Classification Sherloc (09022015). Collection method: clinical testing. Allele origin: germline.
Comment: In summary, the available evidence is currently insufficient to determine the role of this variant in disease. Therefore, it has been classified as a Variant of Uncertain Significance. Algorithms developed to predict the effect of missense changes on protein structure and function (SIFT, PolyPhen-2, Align-GVGD) all suggest that this variant is likely to be disruptive, but these predictions have not been confirmed by published functional studies and their clinical significance is uncertain. This variant has not been reported in the literature in individuals with DMD-related conditions. This variant is not present in population databases (ExAC no frequency). This sequence change replaces isoleucine with threonine at codon 94 of the DMD protein (p.Ile94Thr). The isoleucine residue is highly conserved and there is a moderate physicochemical difference between isoleucine and threonine.

Natera, Inc.
Classification: Uncertain significance for Becker muscular dystrophy; Cardiomyopathy; Duchenne muscular dystrophy; Dystrophin deficiency. Last evaluated: 2021-06-07. Review status: no assertion criteria provided. Collection method: clinical testing. Allele origin: germline. Not counted in ClinVar's aggregate classification.

NM_004006.3(DMD):c.281T>C (p.Ile94Thr)

Gene: DMD (dystrophin; minus strand). Cytogenetic location: Xp21.1.
Variant type: single nucleotide variant.
Coding change: c.281T>C on transcript NM_004006.3 (MANE Select); coding-DNA position 281, T replaced by C.
Protein change: p.Ile94Thr; replaces isoleucine 94 with threonine.
Molecular consequence: missense variant. On other transcripts: 5 prime UTR variant (1).
Genome position (GRCh38, 1-based): chrX:32,823,371, A>G on the plus strand (T>C on the coding strand, the complement: DMD is on the minus strand). VCF-style: chrX-32823371-A-G. GRCh37 (hg19) VCF-style: chrX-32841488-A-G.
Other names: c.257T>C, p.Ile86Thr (NM_000109.4); c.269T>C, p.Ile90Thr (NM_004009.3); c.-89T>C (NM_004010.3); short protein forms I94T, I86T, I90T.
Identifiers: ClinVar variation 971525 (VCV000971525.12), dbSNP rs2078436389, ClinGen allele CA412674576.